The following is an entry in ClinVar:

ClinVar aggregate classification (germline): Uncertain significance (1 of 4 stars; one submission).

gnomAD v4.1: 4 of 1,207,054 alleles (0.00033%); highest among the groups gnomAD compares: Admixed American, 0.0066%; no homozygotes.

Submission:

Labcorp Genetics (formerly Invitae), Labcorp
Classification: Uncertain significance. Last evaluated: 2024-12-23. Review status: criteria provided, single submitter. Criteria: Invitae Variant Classification Sherloc (09022015). Collection method: clinical testing. Allele origin: germline.
Comment: This sequence change replaces proline, which is neutral and non-polar, with serine, which is neutral and polar, at codon 1059 of the COL4A6 protein (p.Pro1059Ser). This variant is present in population databases (rs747180877, gnomAD 0.008%). This variant has not been reported in the literature in individuals affected with COL4A6-related conditions. Invitae Evidence Modeling of protein sequence and biophysical properties (such as structural, functional, and spatial information, amino acid conservation, physicochemical variation, residue mobility, and thermodynamic stability) indicates that this missense variant is not expected to disrupt COL4A6 protein function with a negative predictive value of 80%. In summary, the available evidence is currently insufficient to determine the role of this variant in disease. Therefore, it has been classified as a Variant of Uncertain Significance.

NM_033641.4(COL4A6):c.3172C>T (p.Pro1058Ser)

Gene: COL4A6 (collagen type IV alpha 6 chain; minus strand). Cytogenetic location: Xq22.3.
Variant type: single nucleotide variant.
Coding change: c.3172C>T on transcript NM_033641.4 (MANE Select); coding-DNA position 3172, C replaced by T.
Protein change: p.Pro1058Ser; replaces proline 1058 with serine.
Molecular consequence: missense variant.
Genome position (GRCh38, 1-based): chrX:108,172,499, G>A on the plus strand (C>T on the coding strand, the complement: COL4A6 is on the minus strand). VCF-style: chrX-108172499-G-A. GRCh37 (hg19) VCF-style: chrX-107415729-G-A.
Other names: c.3223C>T, p.Pro1075Ser (NM_001287758.2); c.3172C>T, p.Pro1058Ser (NM_001287759.2, NM_001287760.2); c.3175C>T, p.Pro1059Ser (NM_001847.4); short protein forms P1059S, P1058S, P1075S.
Identifiers: ClinVar variation 3718089 (VCV003718089.2).